The following is an entry in ClinVar:

ClinVar aggregate classification (germline): Uncertain significance (1 of 4 stars; one submission).

Conditions:
Cortical dysplasia-focal epilepsy syndrome (PTHSL1). Also called: Pitt-Hopkins-like syndrome 1. Identifiers: Orphanet 163681, Orphanet 221150, MedGen C2750246, MONDO:0012400, OMIM 610042.

Allele frequency attached by ClinVar (database versions not stated): TOPMed below 0.00001.

Submission:

Labcorp Genetics (formerly Invitae), Labcorp
Classification: Uncertain significance for Cortical dysplasia-focal epilepsy syndrome. Last evaluated: 2024-02-24. Review status: criteria provided, single submitter. Criteria: Invitae Variant Classification Sherloc (09022015). Collection method: clinical testing. Allele origin: germline.
Comment: This sequence change falls in intron 10 of the CNTNAP2 gene. It does not directly change the encoded amino acid sequence of the CNTNAP2 protein. It affects a nucleotide within the consensus splice site. This variant is not present in population databases (gnomAD no frequency). This variant has not been reported in the literature in individuals affected with CNTNAP2-related conditions. ClinVar contains an entry for this variant (Variation ID: 2060880). Variants that disrupt the consensus splice site are a relatively common cause of aberrant splicing (PMID: 17576681, 9536098). Algorithms developed to predict the effect of sequence changes on RNA splicing suggest that this variant is not likely to affect RNA splicing. In summary, the available evidence is currently insufficient to determine the role of this variant in disease. Therefore, it has been classified as a Variant of Uncertain Significance.

Literature cited by the submitters: PubMed 17576681; PubMed 9536098.

NM_014141.6(CNTNAP2):c.1670+5A>G

Gene: CNTNAP2 (contactin associated protein 2; plus strand). Cytogenetic location: 7q35.
Variant type: single nucleotide variant.
Coding change: c.1670+5A>G on transcript NM_014141.6 (MANE Select); 5 bases into the intron after coding-DNA position 1670, A replaced by G.
Molecular consequence: intron variant.
Genome position (GRCh38, 1-based): chr7:147,395,785, A>G. VCF-style: chr7-147395785-A-G. GRCh37 (hg19) VCF-style: chr7-147092877-A-G.
Identifiers: ClinVar variation 2060880 (VCV002060880.4), dbSNP rs1796803042, ClinGen allele CA1750750023.